The following is an entry in ClinVar:

NM_032279.4(ATP13A4):c.182A>G (p.His61Arg)

Gene: ATP13A4 (ATPase 13A4; minus strand). Cytogenetic location: 3q29.
Variant type: single nucleotide variant.
Coding change: c.182A>G on transcript NM_032279.4 (MANE Select); coding-DNA position 182, A replaced by G.
Protein change: p.His61Arg; replaces histidine 61 with arginine.
Molecular consequence: missense variant.
Genome position (GRCh38, 1-based): chr3:193,514,750, T>C on the plus strand (A>G on the coding strand, the complement: ATP13A4 is on the minus strand). VCF-style: chr3-193514750-T-C. GRCh37 (hg19) VCF-style: chr3-193232539-T-C.
Other names: short protein forms H61R.
Identifiers: ClinVar variation 788776 (VCV000788776.6), dbSNP rs142942671, ClinGen allele CA2758809.

ClinVar aggregate classification (germline): Likely benign. Review status: criteria provided, multiple submitters, no conflicts (2 of 4 stars). 3 submissions from 3 submitters: Likely benign (2). 1 of the submissions does not count toward it. Last evaluated 2018-07-27.

Conditions:
ATP13A4-related disorder. Also called: ATP13A4-related condition.

Allele frequency attached by ClinVar (database versions not stated): 1000 Genomes Project 0.00080; 1000 Genomes Project 30x 0.00094; ExAC 0.00234; gnomAD 0.00236 and 0.00238; gnomAD exomes 0.00241; TOPMed 0.00247; ESP Exome Variant Server 0.00308.
gnomAD v4.1: 5,734 of 1,614,170 alleles (0.36%); highest among the groups gnomAD compares: Non-Finnish European, 0.44%; 15 homozygotes.

Submissions (3):

Labcorp Genetics (formerly Invitae), Labcorp
Classification: Likely benign. Last evaluated: 2018-07-27. Review status: criteria provided, single submitter. Criteria: Invitae Variant Classification Sherloc (09022015). Collection method: clinical testing. Allele origin: germline.

Breakthrough Genomics
Classification: Likely benign. Review status: criteria provided, single submitter. Criteria: ACMG Guidelines, 2015. Collection method: not provided. Allele origin: germline. Inheritance: Unknown mechanism. Affected: yes.

PreventionGenetics, part of Exact Sciences
Classification: Likely benign for ATP13A4-related condition. Last evaluated: 2023-01-17. Review status: no assertion criteria provided. Collection method: clinical testing. Allele origin: germline. Not counted in ClinVar's aggregate classification.
Comment: This variant is classified as likely benign based on ACMG/AMP sequence variant interpretation guidelines (Richards et al. 2015 PMID: 25741868, with internal and published modifications).